The following is an entry in ClinVar:

NM_014476.6(PDLIM3):c.644G>A (p.Gly215Glu)

Gene: PDLIM3 (PDZ and LIM domain 3; minus strand). Cytogenetic location: 4q35.1.
Variant type: single nucleotide variant.
Coding change: c.644G>A on transcript NM_014476.6 (MANE Select); coding-DNA position 644, G replaced by A.
Protein change: p.Gly215Glu; replaces glycine 215 with glutamic acid.
Molecular consequence: missense variant. On other transcripts: intron variant (3).
Genome position (GRCh38, 1-based): chr4:185,508,317, C>T on the plus strand (G>A on the coding strand, the complement: PDLIM3 is on the minus strand). VCF-style: chr4-185508317-C-T. GRCh37 (hg19) VCF-style: chr4-186429471-C-T.
Other names: c.162-1665G>A (NM_001257963.2); c.399-1665G>A (NM_001257962.2); c.519-1665G>A (NM_001114107.5); short protein forms G215E.
Identifiers: ClinVar variation 2255453 (VCV002255453.3), dbSNP rs1248601284, ClinGen allele CA358923560.

ClinVar aggregate classification (germline): Uncertain significance. Review status: criteria provided, multiple submitters, no conflicts (2 of 4 stars). 2 submissions from 2 submitters: Uncertain significance (2). Last evaluated 2025-04-13.

Conditions:
Primary dilated cardiomyopathy (DCM). Also called: Dilated Cardiomyopathy. Identifiers: Orphanet 217604, MedGen C0007193, MeSH D002311, MONDO:0005021, HP:0001644. Inheritance: Various modes of inheritance.
Hypertrophic cardiomyopathy. Also called: HYPERTROPHIC MYOCARDIOPATHY. Identifiers: Orphanet 217569, MedGen C0007194, MeSH D002312, MONDO:0005045, HP:0001639.

Allele frequency attached by ClinVar (database versions not stated): TOPMed below 0.00001; gnomAD 0.00001.
gnomAD v4.1: 1 of 1,613,980 alleles (0.000062%); highest among the groups gnomAD compares: African/African-American, 0.0013%; no homozygotes.

Submissions (2):

Labcorp Genetics (formerly Invitae), Labcorp
Classification: Uncertain significance for Hypertrophic cardiomyopathy; Primary dilated cardiomyopathy. Last evaluated: 2025-04-13. Review status: criteria provided, single submitter. Criteria: Invitae Variant Classification Sherloc (09022015). Collection method: clinical testing. Allele origin: germline.
Comment: This sequence change replaces glycine, which is neutral and non-polar, with glutamic acid, which is acidic and polar, at codon 215 of the PDLIM3 protein (p.Gly215Glu). This variant is not present in population databases (gnomAD no frequency). This variant has not been reported in the literature in individuals affected with PDLIM3-related conditions. ClinVar contains an entry for this variant (Variation ID: 2255453). Invitae Evidence Modeling of protein sequence and biophysical properties (such as structural, functional, and spatial information, amino acid conservation, physicochemical variation, residue mobility, and thermodynamic stability) indicates that this missense variant is not expected to disrupt PDLIM3 protein function with a negative predictive value of 80%. In summary, the available evidence is currently insufficient to determine the role of this variant in disease. Therefore, it has been classified as a Variant of Uncertain Significance.

Ambry Genetics
Classification: Uncertain significance. Last evaluated: 2021-10-14. Review status: criteria provided, single submitter. Criteria: Ambry Variant Classification Scheme 2023. Collection method: clinical testing. Allele origin: germline.